The following is an entry in ClinVar:

ClinVar aggregate classification (germline): Likely benign (1 of 4 stars; one submission).

Conditions:
Retinitis pigmentosa (RP). Identifiers: Orphanet 791, MedGen C0035334, MeSH D012174, MONDO:0019200, OMIM 268000. Inheritance: Autosomal dominant, autosomal recessive and X linked inheritance.

Allele frequency attached by ClinVar (database versions not stated): 1000 Genomes Project 0.01198; 1000 Genomes Project 30x 0.01234; TOPMed 0.01830; gnomAD exomes 0.01860; gnomAD 0.01923 and 0.01979.
gnomAD v4.1: 2,949 of 152,714 alleles (1.9%); highest among the groups gnomAD compares: Non-Finnish European, 3%; 42 homozygotes.

Submission:

Illumina Laboratory Services, Illumina
Classification: Likely benign for Retinitis pigmentosa. Last evaluated: 2018-01-12. Review status: criteria provided, single submitter. Criteria: ICSL Variant Classification Criteria 13 December 2019. Collection method: clinical testing. Allele origin: germline.
Comment: This variant was observed in the ICSL laboratory as part of a predisposition screen in an ostensibly healthy population. It had not been previously curated by ICSL or reported in the Human Gene Mutation Database (HGMD: prior to June 1st, 2018), and was therefore a candidate for classification through an automated scoring system. Utilizing variant allele frequency, disease prevalence and penetrance estimates, and inheritance mode, an automated score was calculated to assess if this variant is too frequent to cause the disease. Based on the score and internal cut-off values, a variant classified as likely benign is not then subjected to further curation. The score for this variant resulted in a classification of likely benign for this disease.

NM_001029883.3(PCARE):c.*983G>A

Gene: PCARE (photoreceptor cilium actin regulator; minus strand). Cytogenetic location: 2p23.2.
Variant type: single nucleotide variant.
Coding change: c.*983G>A on transcript NM_001029883.3 (MANE Select); 983 bases downstream of the stop codon, G replaced by A.
Molecular consequence: 3 prime UTR variant.
Genome position (GRCh38, 1-based): chr2:29,063,886, C>T on the plus strand (G>A on the coding strand, the complement: PCARE is on the minus strand). VCF-style: chr2-29063886-C-T. GRCh37 (hg19) VCF-style: chr2-29286752-C-T.
Identifiers: ClinVar variation 335616 (VCV000335616.5), dbSNP rs74315958, ClinGen allele CA10613585.
Genomic context (GRCh38, chr2:29,063,886, plus strand): 5'-GCAGAAGTTCTGCAAGATGACCTGGGAATAAAGTTGGCCAAGAAGCCTCCGAGGGGAGAT[C>T]GGCGTGTGAGTACGTATGCCTCACCCACGCTATCTTCTGAGCTCCAGCACCCACGGCATG-3'